The following is an entry in ClinVar:

ClinVar aggregate classification (germline): Benign (1 of 4 stars; one submission).

Allele frequency attached by ClinVar (database versions not stated): 1000 Genomes Project 0.24261; 1000 Genomes Project 30x 0.25359; gnomAD 0.26245 and 0.27476; TOPMed 0.27934.
gnomAD v4.1: 39,860 of 152,134 alleles (26%); highest among the groups gnomAD compares: African/African-American, 56%; 7,914 homozygotes.

Submission:

GeneDx
Classification: Benign. Last evaluated: 2018-06-14. Review status: criteria provided, single submitter. Criteria: GeneDx Variant Classification (06012015). Collection method: clinical testing. Allele origin: germline. Affected: yes.
Comment: This variant is considered likely benign or benign based on one or more of the following criteria: it is a conservative change, it occurs at a poorly conserved position in the protein, it is predicted to be benign by multiple in silico algorithms, and/or has population frequency not consistent with disease.

NM_025152.3(NUBPL):c.897+164A>G

Gene: NUBPL (NUBP iron-sulfur cluster assembly factor, mitochondrial; plus strand). Cytogenetic location: 14q12.
Variant type: single nucleotide variant.
Coding change: c.897+164A>G on transcript NM_025152.3 (MANE Select); 164 bases into the intron after coding-DNA position 897, A replaced by G.
Molecular consequence: intron variant.
Genome position (GRCh38, 1-based): chr14:31,850,365, A>G. VCF-style: chr14-31850365-A-G. GRCh37 (hg19) VCF-style: chr14-32319571-A-G.
Other names: c.609+164A>G (NM_001201573.2); c.348+164A>G (NM_001201574.2).
Identifiers: ClinVar variation 683238 (VCV000683238.1), dbSNP rs8009030, ClinGen allele CA16485460.